The following is an entry in ClinVar:

ClinVar aggregate classification (germline): Uncertain significance (1 of 4 stars; one submission).

Allele frequency attached by ClinVar (database versions not stated): gnomAD 0.00001; TOPMed 0.00001.
gnomAD v4.1: 3 of 1,606,218 alleles (0.00019%); highest among the groups gnomAD compares: Non-Finnish European, 0.00026%; no homozygotes.

Submission:

Labcorp Genetics (formerly Invitae), Labcorp
Classification: Uncertain significance. Last evaluated: 2025-03-31. Review status: criteria provided, single submitter. Criteria: Invitae Variant Classification Sherloc (09022015). Collection method: clinical testing. Allele origin: germline.
Comment: The TCF3 gene has multiple clinically relevant transcripts. This variant occurs in alternate transcript NM_001136139.3, and corresponds to NM_003200.4:c.1823-396C>T in the primary transcript. This sequence change replaces alanine, which is neutral and non-polar, with valine, which is neutral and non-polar, at codon 592 of the TCF3 protein (p.Ala592Val). This variant is not present in population databases (gnomAD no frequency). This variant has not been reported in the literature in individuals affected with TCF3-related conditions. ClinVar contains an entry for this variant (Variation ID: 2801399). Experimental studies and prediction algorithms are not available or were not evaluated, and the functional significance of this variant is currently unknown. Algorithms developed to predict the effect of sequence changes on RNA splicing suggest that this variant is not likely to affect RNA splicing. In summary, the available evidence is currently insufficient to determine the role of this variant in disease. Therefore, it has been classified as a Variant of Uncertain Significance.

NM_001136139.4(TCF3):c.1775C>T (p.Ala592Val)

Gene: TCF3 (transcription factor 3; minus strand). Cytogenetic location: 19p13.3.
Variant type: single nucleotide variant.
Coding change: c.1775C>T on transcript NM_001136139.4 (MANE Plus Clinical); coding-DNA position 1775, C replaced by T.
Protein change: p.Ala592Val; replaces alanine 592 with valine.
Molecular consequence: missense variant. On other transcripts: intron variant (2).
Genome position (GRCh38, 1-based): chr19:1,612,245, G>A on the plus strand (C>T on the coding strand, the complement: TCF3 is on the minus strand). VCF-style: chr19-1612245-G-A. GRCh37 (hg19) VCF-style: chr19-1612244-G-A.
Other names: c.1775C>T, p.Ala592Val (NM_001351779.2); c.1820-396C>T (NM_001351778.2); c.1823-396C>T (NM_003200.5); short protein forms A592V.
Identifiers: ClinVar variation 2801399 (VCV002801399.3), dbSNP rs1325068914, ClinGen allele CA403048394.
Genomic context (GRCh38, chr19:1,612,245, plus strand): 5'-CAGCCCTGGCCGGGGAGCCTACCTCGCACCTGCTGCTCCAGCCCCAGGATGACCTGCACG[G>A]CCTGCTGCAGGATGAGCAGCTTGGTCTGCGCTTTGTCCGACTTGAGGTGCATCTGGCACA-3'
Protein context (NP_001129611.1, residues 582-602): AQTKLLILQQ[Ala592Val]VQVILGLEQQ